The following is an entry in ClinVar:

NM_000094.4(COL7A1):c.3275A>C (p.Gln1092Pro)

Gene: COL7A1 (collagen type VII alpha 1 chain; minus strand). Cytogenetic location: 3p21.31.
Variant type: single nucleotide variant.
Coding change: c.3275A>C on transcript NM_000094.4 (MANE Select); coding-DNA position 3275, A replaced by C.
Protein change: p.Gln1092Pro; replaces glutamine 1092 with proline.
Molecular consequence: missense variant.
Genome position (GRCh38, 1-based): chr3:48,586,973, T>G on the plus strand (A>C on the coding strand, the complement: COL7A1 is on the minus strand). VCF-style: chr3-48586973-T-G. GRCh37 (hg19) VCF-style: chr3-48624406-T-G.
Other names: short protein forms Q1092P.
Identifiers: ClinVar variation 4532274 (VCV004532274.1).

ClinVar aggregate classification (germline): Pathogenic (1 of 4 stars; one submission).

Conditions:
Epidermolysis bullosa simplex 1A, generalized severe (EBS1A). Also called: Epidermolysis bullosa simplex Dowling-Meara type. Identifiers: Orphanet 79396, MedGen C0079295, MONDO:0007550, OMIM 131760.

gnomAD v4.1: 1 of 1,591,514 alleles (0.000063%); highest among the groups gnomAD compares: Admixed American, 0.0018%; no homozygotes.

Submission:

Centro de Genética y Biología Molecular, Universidad de San Martín de Porres
Classification: Pathogenic for Epidermolysis bullosa simplex 1A, generalized severe. Last evaluated: 2020-01-20. Review status: criteria provided, single submitter. Criteria: ACMG Guidelines, 2015. Collection method: research. Allele origin: biparental. Inheritance: Autosomal recessive inheritance. Affected: yes. Observed: 1 homozygote.
Comment: Variant is located in non collagenous domain 1. and the change from Glutamine to Proline is placed in a high degree of conservation place, where it is likely to be destabilising. rs561709623 is the snp but has no previous report on ClinVar. Variant is located in a high degree of conservation place within the protein and is likely to be destabilising according to uniprot